The following is an entry in ClinVar:

NM_000263.4(NAGLU):c.1022-2A>G

Gene: NAGLU (N-acetyl-alpha-glucosaminidase; plus strand). Cytogenetic location: 17q21.2.
Variant type: single nucleotide variant.
Coding change: c.1022-2A>G on transcript NM_000263.4 (MANE Select); the canonical splice acceptor site of the intron before coding-DNA position 1022, A replaced by G.
Molecular consequence: splice acceptor variant.
Genome position (GRCh38, 1-based): chr17:42,543,026, A>G. VCF-style: chr17-42543026-A-G. GRCh37 (hg19) VCF-style: chr17-40695044-A-G.
Other names: c.1022-2A>G (NM_000263.3).
Identifiers: ClinVar variation 2138026 (VCV002138026.6), dbSNP rs2510658575, ClinGen allele CA399600777.

ClinVar aggregate classification (germline): Pathogenic/Likely pathogenic. Review status: criteria provided, multiple submitters, no conflicts (2 of 4 stars). 3 submissions from 3 submitters: Pathogenic (1); Likely pathogenic (2). Last evaluated 2024-05-30.

Conditions:
Mucopolysaccharidosis, MPS-III-B (MPS3B). Also called: N-ACETYL-ALPHA-D-GLUCOSAMINIDASE DEFICIENCY; NAGLU DEFICIENCY; SANFILIPPO SYNDROME B; MPS III B; MUCOPOLYSACCHARIDOSIS, TYPE IIIB; MPS IIIB (Sanfilippo Syndrome Type B). Identifiers: Orphanet 79270, MedGen C0086648, MONDO:0009656, OMIM 252920.
Charcot-Marie-Tooth disease axonal type 2V. Also called: CHARCOT-MARIE-TOOTH NEUROPATHY, TYPE 2V; CHARCOT-MARIE-TOOTH DISEASE, AXONAL, AUTOSOMAL DOMINANT, TYPE 2V. Identifiers: Orphanet 447964, MedGen C5569050, MONDO:0014665, OMIM 616491.

Submissions (3):

Natera, Inc.
Classification: Likely pathogenic for Mucopolysaccharidosis type IIIB. Last evaluated: 2024-05-30. Review status: criteria provided, single submitter. Criteria: Natera Variant Classification Schema (03/2026). Collection method: clinical testing. Allele origin: germline.
Comment: The c.1022-2A>G variant in NAGLU is a canonical splice acceptor site variant predicted to affect pre-mRNA splicing, which may result in an abnormal transcript and altered protein product. This variant may result in a truncated or dysfunctional protein product. This variant is rare in the general population with a frequency below the threshold expected for the associated phenotype(s). This variant has been observed in one or more individuals affected with the associated recessive disease, as either homozygous or compound heterozygous with a second variant (PMID: 33747789, 16151907). Additionally, this variant has been observed to segregate in affected family members (PMID: 33747789). Given the available evidence, this variant is classified as Likely Pathogenic.

Fulgent Genetics
Classification: Likely pathogenic for Mucopolysaccharidosis, MPS-III-B; Charcot-Marie-Tooth disease axonal type 2V. Last evaluated: 2024-01-30. Review status: criteria provided, single submitter. Criteria: ACMG Guidelines, 2015. Collection method: clinical testing. Allele origin: germline.

Labcorp Genetics (formerly Invitae), Labcorp
Classification: Pathogenic for Charcot-Marie-Tooth disease axonal type 2V; Mucopolysaccharidosis, MPS-III-B. Last evaluated: 2023-03-28. Review status: criteria provided, single submitter. Criteria: Invitae Variant Classification Sherloc (09022015). Collection method: clinical testing. Allele origin: germline.
Comment: This sequence change affects an acceptor splice site in intron 5 of the NAGLU gene. While this variant is not anticipated to result in nonsense mediated decay, it likely alters RNA splicing and results in a disrupted protein product. This variant is not present in population databases (gnomAD no frequency). For these reasons, this variant has been classified as Pathogenic. Variants that disrupt the consensus splice site are a relatively common cause of aberrant splicing (PMID: 17576681, 9536098). Algorithms developed to predict the effect of sequence changes on RNA splicing suggest that this variant may disrupt the consensus splice site. ClinVar contains an entry for this variant (Variation ID: 2138026). This variant is also known as g.17703 A>G. Disruption of this splice site has been observed in individual(s) with mucopolysaccharidosis type IIIB (PMID: 11793481, 33747789). It has also been observed to segregate with disease in related individuals.

Literature cited by the submitters: PubMed 33747789 (cited by Natera, Inc. and Labcorp Genetics (formerly Invitae), Labcorp); PubMed 16151907 (cited by Natera, Inc.); PubMed 17576681 (cited by Labcorp Genetics (formerly Invitae), Labcorp); PubMed 9536098 (cited by Labcorp Genetics (formerly Invitae), Labcorp); PubMed 11793481 (cited by Labcorp Genetics (formerly Invitae), Labcorp).